The following is an entry in ClinVar:

ClinVar aggregate classification (germline): Uncertain significance (1 of 4 stars; one submission).

Conditions:
Inborn genetic diseases. Identifiers: MedGen C0950123, MeSH D030342.

Submission:

Ambry Genetics
Classification: Uncertain significance for Inborn genetic diseases. Last evaluated: 2025-08-21. Review status: criteria provided, single submitter. Criteria: Ambry Variant Classification Scheme 2023. Collection method: clinical testing. Allele origin: germline.
Comment: The p.N1002H variant (also known as c.3004A>C), located in coding exon 13 of the BMPR2 gene, results from an A to C substitution at nucleotide position 3004. The asparagine at codon 1002 is replaced by histidine, an amino acid with similar properties. This amino acid position is conserved. In addition, the in silico prediction for this alteration is inconclusive. Based on the available evidence, the clinical significance of this variant remains unclear.

NM_001204.7(BMPR2):c.3004A>C (p.Asn1002His)

Gene: BMPR2 (bone morphogenetic protein receptor type 2; plus strand). Cytogenetic location: 2q33.2.
Variant type: single nucleotide variant.
Coding change: c.3004A>C on transcript NM_001204.7 (MANE Select); coding-DNA position 3004, A replaced by C.
Protein change: p.Asn1002His; replaces asparagine 1002 with histidine.
Molecular consequence: missense variant.
Genome position (GRCh38, 1-based): chr2:202,559,833, A>C. VCF-style: chr2-202559833-A-C. GRCh37 (hg19) VCF-style: chr2-203424556-A-C.
Other names: short protein forms N1002H.
Identifiers: ClinVar variation 4214523 (VCV004214523.1).
Genomic context (GRCh38, chr2:202,559,833, plus strand): 5'-AAGCGGTGGCGCCCCTCCACCTGGGTCATCTCCACTGAATCGCTGGACTGTGAAGTCAAC[A>C]ATAATGGCAGTAACAGGGCAGTTCATTCCAAATCCAGCACTGCTGTTTACCTTGCAGAAG-3'
Protein context (NP_001195.2, residues 992-1012): STESLDCEVN[Asn1002His]NGSNRAVHSK